The following is an entry in ClinVar:

NM_012330.4(KAT6B):c.4217A>G (p.Asp1406Gly)

Gene: KAT6B (lysine acetyltransferase 6B; plus strand). Cytogenetic location: 10q22.2.
Variant type: single nucleotide variant.
Coding change: c.4217A>G on transcript NM_012330.4 (MANE Select); coding-DNA position 4217, A replaced by G.
Protein change: p.Asp1406Gly; replaces aspartic acid 1406 with glycine.
Molecular consequence: missense variant.
Genome position (GRCh38, 1-based): chr10:75,029,041, A>G. VCF-style: chr10-75029041-A-G. GRCh37 (hg19) VCF-style: chr10-76788799-A-G.
Other names: c.4217A>G (NM_012330.2); c.3668A>G, p.Asp1223Gly (NM_001256468.2, NM_001370138.1); c.3341A>G, p.Asp1114Gly (NM_001256469.2, NM_001370139.1, NM_001370140.1 and 2 more transcripts); c.3179A>G, p.Asp1060Gly (NM_001370132.1); c.2528A>G, p.Asp843Gly (NM_001370133.1); c.2132A>G, p.Asp711Gly (NM_001370134.1); c.1874A>G, p.Asp625Gly (NM_001370135.1); c.4217A>G, p.Asp1406Gly (NM_001370136.1, NM_001370137.1); and 1 more; short protein forms D1051G, D1406G, D843G, D1223G, D1060G, D711G, D1114G, D625G.
Identifiers: ClinVar variation 2725915 (VCV002725915.4), dbSNP rs751307649, ClinGen allele CA5564994.

ClinVar aggregate classification (germline): Uncertain significance. Review status: criteria provided, multiple submitters, no conflicts (2 of 4 stars). 2 submissions from 2 submitters: Uncertain significance (2). Last evaluated 2024-07-30.

Conditions:
Genitopatellar syndrome (GTPTS). Also called: ABSENT PATELLAE, SCROTAL HYPOPLASIA, RENAL ANOMALIES, FACIAL DYSMORPHISM, AND MENTAL RETARDATION; Genitopatellar syndrome (GPS). Identifiers: Orphanet 85201, MedGen C1853566, MONDO:0011640, OMIM 606170.
Inborn genetic diseases. Identifiers: MedGen C0950123, MeSH D030342.

Allele frequency attached by ClinVar (database versions not stated): gnomAD exomes below 0.00001; ExAC 0.00002.
gnomAD v4.1: 2 of 1,614,168 alleles (0.00012%); highest among the groups gnomAD compares: Non-Finnish European, 0.00017%; no homozygotes.

Submissions (2):

Ambry Genetics
Classification: Uncertain significance for Inborn genetic diseases. Last evaluated: 2024-07-30. Review status: criteria provided, single submitter. Criteria: Ambry Variant Classification Scheme 2023. Collection method: clinical testing. Allele origin: germline.

Labcorp Genetics (formerly Invitae), Labcorp
Classification: Uncertain significance for Genitopatellar syndrome. Last evaluated: 2022-12-12. Review status: criteria provided, single submitter. Criteria: Invitae Variant Classification Sherloc (09022015). Collection method: clinical testing. Allele origin: germline.
Comment: In summary, the available evidence is currently insufficient to determine the role of this variant in disease. Therefore, it has been classified as a Variant of Uncertain Significance. Advanced modeling of protein sequence and biophysical properties (such as structural, functional, and spatial information, amino acid conservation, physicochemical variation, residue mobility, and thermodynamic stability) performed at Invitae indicates that this missense variant is not expected to disrupt KAT6B protein function. This variant has not been reported in the literature in individuals affected with KAT6B-related conditions. This variant is present in population databases (rs751307649, gnomAD 0.002%). This sequence change replaces aspartic acid, which is acidic and polar, with glycine, which is neutral and non-polar, at codon 1406 of the KAT6B protein (p.Asp1406Gly).